The following is an entry in ClinVar:

ClinVar aggregate classification (germline): Uncertain significance (1 of 4 stars; one submission).

gnomAD v4.1: 13 of 1,614,034 alleles (0.00081%); highest among the groups gnomAD compares: South Asian, 0.0033%; no homozygotes.

Submission:

GeneDx
Classification: Uncertain significance. Last evaluated: 2026-03-21. Review status: criteria provided, single submitter. Criteria: GeneDx Variant Classification Process June 2021. Collection method: clinical testing. Allele origin: germline.
Comment: In silico analysis supports that this missense variant has a deleterious effect on protein structure/function; Has not been previously published as pathogenic or benign to our knowledge

NM_001347886.2(DNAH3):c.161C>T (p.Pro54Leu)

Gene: DNAH3 (dynein axonemal heavy chain 3; minus strand). Cytogenetic location: 16p12.3.
Variant type: single nucleotide variant.
Coding change: c.161C>T on transcript NM_001347886.2 (MANE Select); coding-DNA position 161, C replaced by T.
Protein change: p.Pro54Leu; replaces proline 54 with leucine.
Molecular consequence: missense variant.
Genome position (GRCh38, 1-based): chr16:21,145,381, G>A on the plus strand (C>T on the coding strand, the complement: DNAH3 is on the minus strand). VCF-style: chr16-21145381-G-A. GRCh37 (hg19) VCF-style: chr16-21156702-G-A.
Other names: c.161C>T, p.Pro54Leu (NM_001394581.1); c.248C>T, p.Pro83Leu (NM_017539.2); short protein forms P54L, P83L.
Identifiers: ClinVar variation 5009484 (VCV005009484.1).